The following is an entry in ClinVar:

NM_013266.4(CTNNA3):c.737A>G (p.Gln246Arg)

Gene: CTNNA3 (catenin alpha 3; minus strand). Cytogenetic location: 10q21.3.
Variant type: single nucleotide variant.
Coding change: c.737A>G on transcript NM_013266.4 (MANE Select); coding-DNA position 737, A replaced by G.
Protein change: p.Gln246Arg; replaces glutamine 246 with arginine.
Molecular consequence: missense variant.
Genome position (GRCh38, 1-based): chr10:67,219,713, T>C on the plus strand (A>G on the coding strand, the complement: CTNNA3 is on the minus strand). VCF-style: chr10-67219713-T-C. GRCh37 (hg19) VCF-style: chr10-68979471-T-C.
Other names: c.737A>G, p.Gln246Arg (NM_001127384.3); c.773A>G, p.Gln258Arg (NM_001291133.2); short protein forms Q258R, Q246R.
Identifiers: ClinVar variation 4008020 (VCV004008020.1).
Genomic context (GRCh38, chr10:67,219,713, plus strand): 5'-GGTGGGGTTGTCATATTCTGGATCCCTTGTGAAGCATTTGAAATTACATTGAGAGCATTC[T>C]GAATTTCTTCACAAACTGTGTCCTTGCTTGCTTTGAGGGAAGCAACATCAGAATGCTCCA-3'
Protein context (NP_037398.2, residues 236-256): ASKDTVCEEI[Gln246Arg]NALNVISNAS

ClinVar aggregate classification (germline): Uncertain significance (1 of 4 stars; one submission).

Submission:

Ambry Genetics
Classification: Uncertain significance. Last evaluated: 2025-04-12. Review status: criteria provided, single submitter. Criteria: Ambry Variant Classification Scheme 2023. Collection method: clinical testing. Allele origin: germline.
Comment: The p.Q246R variant (also known as c.737A>G), located in coding exon 5 of the CTNNA3 gene, results from an A to G substitution at nucleotide position 737. The glutamine at codon 246 is replaced by arginine, an amino acid with highly similar properties. This amino acid position is conserved. In addition, this alteration is predicted to be tolerated by in silico analysis. Based on the available evidence, the clinical significance of this variant remains unclear.